The following is an entry in ClinVar:

ClinVar aggregate classification (germline): Uncertain significance. Review status: criteria provided, multiple submitters, no conflicts (2 of 4 stars). 2 submissions from 2 submitters: Uncertain significance (2). Last evaluated 2023-04-24.

Conditions:
TTN-related disorder. Also called: TTN-related disorders; TTN-related condition; TTN-related disease.

Allele frequency attached by ClinVar (database versions not stated): gnomAD 0.00005; ESP Exome Variant Server 0.00008; TOPMed 0.00008; ExAC 0.00003; gnomAD exomes 0.00004.
gnomAD v4.1: 39 of 1,612,650 alleles (0.0024%); highest among the groups gnomAD compares: Middle Eastern, 0.033%; 1 homozygote.

Submissions (2):

PreventionGenetics, part of Exact Sciences
Classification: Uncertain significance for TTN-related condition. Last evaluated: 2023-04-24. Review status: criteria provided, single submitter. Criteria: ACMG Guidelines, 2015. Collection method: clinical testing. Allele origin: germline.
Comment: The TTN c.14114G>A variant is predicted to result in the amino acid substitution p.Arg4705Gln. This variant has been reported to be de novo in an individual from a large congenital heart disease cohort (Edwards et al. 2020. PubMed ID: 32368696; Supp Database 2). This variant is reported in 0.014% of alleles in individuals of Latino descent in gnomAD. At this time, the clinical significance of this variant is uncertain due to the absence of conclusive functional and genetic evidence.

Laboratory for Molecular Medicine, Mass General Brigham Personalized Medicine
Classification: Uncertain significance. Last evaluated: 2015-04-04. Review status: criteria provided, single submitter. Criteria: LMM Criteria. Collection method: clinical testing. Allele origin: germline. Observed: 1 variant allele.
Comment: The p.Arg4705Gln variant in TTN has not been reported in individuals with cardio myopathy, but has been identified in 2/66336 European chromosomes by the Exome A ggregation Consortium (ExAC; dbSNP rs144127396). Computational prediction tools and conservation analysis suggest that this vari ant may not impact the protein, though this information is not predictive enough to rule out pathogenicity. In summary, the clinical significance of the p.Arg47 05Gln variant is uncertain.

NM_133379.5(TTN):c.14114G>A (p.Arg4705Gln)

Genes: TTN (titin; minus strand), LOC126806432 (CDK7 strongly-dependent group 2 enhancer GRCh37_chr2:179611985-179613184; plus strand). Cytogenetic location: 2q31.2.
Variant type: single nucleotide variant.
Coding change: c.14114G>A on transcript NM_133379.5; coding-DNA position 14114, G replaced by A.
Protein change: p.Arg4705Gln; replaces arginine 4705 with glutamine.
Molecular consequence: missense variant. On other transcripts: intron variant (6).
Genome position (GRCh38, 1-based): chr2:178,748,286, C>T on the plus strand (G>A on the coding strand, the complement: TTN is on the minus strand). VCF-style: chr2-178748286-C-T. GRCh37 (hg19) VCF-style: chr2-179613013-C-T.
Other names: c.14114G>A (NM_133379.4); c.10222+4838G>A (NM_003319.4); c.10798+4838G>A (NM_133437.4); c.10597+4838G>A (NM_133432.3); c.10360+4838G>A (NM_133378.4, NM_001256850.1); c.11311+4838G>A (NM_001267550.2); short protein forms R4705Q.
Identifiers: ClinVar variation 229584 (VCV000229584.6), dbSNP rs144127396, ClinGen allele CA2003298.